The following is an entry in ClinVar:

ClinVar aggregate classification (germline): Uncertain significance. Review status: criteria provided, single submitter (1 of 4 stars). 2 submissions from 2 submitters: Uncertain significance (1). 1 of the submissions does not count toward it. Last evaluated 2026-01-05.

Conditions:
Becker muscular dystrophy (BMD). Also called: MUSCULAR DYSTROPHY, PSEUDOHYPERTROPHIC PROGRESSIVE, BECKER TYPE; Becker Muscular Dystrophy (BMD). Identifiers: Orphanet 98895, MedGen C0917713, MONDO:0010311, OMIM 300376.
Cardiomyopathy (CMYO). Also called: Cardiomyopathies. Identifiers: Orphanet 167848, MedGen C0878544, MONDO:0004994, HP:0001638. Inheritance: Various modes of inheritance.
Duchenne muscular dystrophy (DMD). Also called: MUSCULAR DYSTROPHY, PSEUDOHYPERTROPHIC PROGRESSIVE, DUCHENNE TYPE; Duchenne Muscular Dystrophy (DMD). Identifiers: Orphanet 98896, MedGen C0013264, MONDO:0010679, OMIM 310200.
Dystrophin deficiency.

Allele frequency attached by ClinVar (database versions not stated): gnomAD exomes below 0.00001 and 0.00001; gnomAD 0.00002; TOPMed 0.00002.
gnomAD v4.1: 4 of 1,208,882 alleles (0.00033%); highest among the groups gnomAD compares: African/African-American, 0.007%; no homozygotes.

Submissions (2):

Labcorp Genetics (formerly Invitae), Labcorp
Classification: Uncertain significance for Duchenne muscular dystrophy. Last evaluated: 2026-01-05. Review status: criteria provided, single submitter. Criteria: Invitae Variant Classification Sherloc (09022015). Collection method: clinical testing. Allele origin: germline.
Comment: This sequence change falls in intron 75 of the DMD gene. It does not directly change the encoded amino acid sequence of the DMD protein. It affects a nucleotide within the consensus splice site. The frequency data for this variant in the population databases is considered unreliable, as metrics indicate poor data quality at this position in the gnomAD database. This variant has not been reported in the literature in individuals affected with DMD-related conditions. ClinVar contains an entry for this variant (Variation ID: 455856). Variants that disrupt the consensus splice site are a relatively common cause of aberrant splicing (PMID: 17576681, 9536098). Algorithms developed to predict the effect of sequence changes on RNA splicing suggest that this variant is not likely to affect RNA splicing. In summary, the available evidence is currently insufficient to determine the role of this variant in disease. Therefore, it has been classified as a Variant of Uncertain Significance.

Natera, Inc.
Classification: Uncertain significance for Becker muscular dystrophy; Cardiomyopathy; Duchenne muscular dystrophy; Dystrophin deficiency. Last evaluated: 2018-08-20. Review status: no assertion criteria provided. Collection method: clinical testing. Allele origin: germline. Not counted in ClinVar's aggregate classification.

Literature cited by the submitters: PubMed 17576681 (cited by Labcorp Genetics (formerly Invitae), Labcorp); PubMed 9536098 (cited by Labcorp Genetics (formerly Invitae), Labcorp).

NM_004006.3(DMD):c.10797+6G>A

Gene: DMD (dystrophin; minus strand). Cytogenetic location: Xp21.2.
Variant type: single nucleotide variant.
Coding change: c.10797+6G>A on transcript NM_004006.3 (MANE Select); 6 bases into the intron after coding-DNA position 10797, G replaced by A.
Molecular consequence: intron variant.
Genome position (GRCh38, 1-based): chrX:31,147,269, C>T on the plus strand (G>A on the coding strand, the complement: DMD is on the minus strand). VCF-style: chrX-31147269-C-T. GRCh37 (hg19) VCF-style: chrX-31165386-C-T.
Other names: c.10773+6G>A (NM_000109.4); c.6774+6G>A (NM_004011.4); c.6765+6G>A (NM_004012.4); c.3087+6G>A (NM_004023.3, NM_004020.4); c.3378+6G>A (NM_004022.3); c.3417+6G>A (NM_004021.3, NM_004013.3); c.2610+6G>A (NM_004014.3); c.1554+6G>A (NM_004018.3, NM_004017.3); and 3 more.
Identifiers: ClinVar variation 455856 (VCV000455856.10), dbSNP rs965185463, ClinGen allele CA328402834.